The following is an entry in ClinVar:

ClinVar aggregate classification (germline): Conflicting classifications of pathogenicity. Review status: criteria provided, conflicting classifications (1 of 4 stars). 4 submissions from 4 submitters: Likely pathogenic (1); Uncertain significance (2). 1 of the submissions does not count toward it. Last evaluated 2024-12-18.

Conditions:
Waardenburg syndrome. Also called: Waardenburg's syndrome. Identifiers: Orphanet 3440, MedGen C3266898, MONDO:0018094.
Waardenburg syndrome type 4A (WS4A). Also called: WAARDENBURG SYNDROME WITH HIRSCHSPRUNG DISEASE, TYPE 4A. Identifiers: Orphanet 897, MedGen C1848519, MONDO:0010192, OMIM 277580.
EDNRB-related disorder. Also called: EDNRB-related condition; EDNRB-related disorders.

Allele frequency attached by ClinVar (database versions not stated): TOPMed 0.00003; gnomAD 0.00003 and 0.00001; gnomAD exomes 0.00004; ExAC 0.00005.
gnomAD v4.1: 56 of 1,608,878 alleles (0.0035%); highest among the groups gnomAD compares: Middle Eastern, 0.083%; no homozygotes.

Submissions (4):

Genomic Medicine Center of Excellence, King Faisal Specialist Hospital and Research Centre
Classification: Uncertain significance for Waardenburg syndrome type 4A. Last evaluated: 2024-12-18. Review status: criteria provided, single submitter. Criteria: ACMG Guidelines, 2015. Collection method: clinical testing. Allele origin: germline.

HudsonAlpha Institute for Biotechnology
Classification: Uncertain significance for Waardenburg syndrome type 4A. Last evaluated: 2022-08-24. Review status: criteria provided, single submitter. Criteria: ACMG Guidelines, 2015. Collection method: research. Allele origin: biparental. Observed: 1 variant allele. Study: HudsonAlpha-AGHI-WGS.
Comment: ACMG codes:PM2_Moderate,

Department of Otolaryngology – Head & Neck Surgery, Cochlear Implant Center
Classification: Likely pathogenic for Waardenburg syndrome. Last evaluated: 2021-04-12. Review status: criteria provided, single submitter. Criteria: ClinGen HL ACMG Specifications v1. Collection method: clinical testing. Allele origin: germline. Affected: yes.
Comment: PVS1_Strong, PM2_Moderate, PP4_Supporting

PreventionGenetics, part of Exact Sciences
Classification: Uncertain significance for EDNRB-related condition. Last evaluated: 2023-10-18. Review status: no assertion criteria provided. Collection method: clinical testing. Allele origin: germline. Not counted in ClinVar's aggregate classification.
Comment: The EDNRB c.18T>A variant is predicted to result in premature protein termination (p.Cys6*). However, an alternative start codon is located downstream of this position, and therefore the effects of this variant on protein translation are uncertain. To our knowledge, this variant has not been reported in the literature. This variant is reported in 0.0066% of alleles in individuals of South Asian descent in gnomAD. At this time, the clinical significance of this variant is uncertain due to the absence of conclusive functional and genetic evidence.

NM_001201397.2(EDNRB):c.18T>A (p.Cys6Ter)

Genes: EDNRB (endothelin receptor type B; minus strand), LOC107882129 (EDNRB proximal promoter region; plus strand). Cytogenetic location: 13q22.3.
Variant type: single nucleotide variant.
Coding change: c.18T>A on transcript NM_001201397.2; coding-DNA position 18, T replaced by A.
Protein change: p.Cys6Ter; replaces cysteine 6 with a stop codon.
Molecular consequence: nonsense. On other transcripts: intron variant (1).
Genome position (GRCh38, 1-based): chr13:77,919,598, A>T on the plus strand (T>A on the coding strand, the complement: EDNRB is on the minus strand). VCF-style: chr13-77919598-A-T. GRCh37 (hg19) VCF-style: chr13-78493733-A-T.
Other names: c.-51-974T>A (NM_000115.5); short protein forms C6*.
Identifiers: ClinVar variation 1064933 (VCV001064933.9), dbSNP rs199927859, ClinGen allele CA7012487.